The following is an entry in ClinVar:

ClinVar aggregate classification (germline): Uncertain significance (1 of 4 stars; one submission).

Conditions:
Autosomal recessive severe congenital neutropenia due to CSF3R deficiency. Also called: Neutropenia, severe congenital, 7, autosomal recessive. Identifiers: Orphanet 420702, MedGen C4310764, MONDO:0014865, OMIM 617014.

Submission:

Labcorp Genetics (formerly Invitae), Labcorp
Classification: Uncertain significance for Autosomal recessive severe congenital neutropenia due to CSF3R deficiency. Last evaluated: 2022-09-06. Review status: criteria provided, single submitter. Criteria: Invitae Variant Classification Sherloc (09022015). Collection method: clinical testing. Allele origin: germline.
Comment: In summary, the available evidence is currently insufficient to determine the role of this variant in disease. Therefore, it has been classified as a Variant of Uncertain Significance. Algorithms developed to predict the effect of missense changes on protein structure and function are either unavailable or do not agree on the potential impact of this missense change (SIFT: "Tolerated"; PolyPhen-2: "Probably Damaging"; Align-GVGD: "Class C0"). ClinVar contains an entry for this variant (Variation ID: 958247). This variant has not been reported in the literature in individuals affected with CSF3R-related conditions. This variant is not present in population databases (gnomAD no frequency). This sequence change replaces glycine, which is neutral and non-polar, with arginine, which is basic and polar, at codon 247 of the CSF3R protein (p.Gly247Arg).

NM_000760.4(CSF3R):c.739G>C (p.Gly247Arg)

Gene: CSF3R (colony stimulating factor 3 receptor; minus strand). Cytogenetic location: 1p34.3.
Variant type: single nucleotide variant.
Coding change: c.739G>C on transcript NM_000760.4 (MANE Select); coding-DNA position 739, G replaced by C.
Protein change: p.Gly247Arg; replaces glycine 247 with arginine.
Molecular consequence: missense variant.
Genome position (GRCh38, 1-based): chr1:36,472,621, C>G on the plus strand (G>C on the coding strand, the complement: CSF3R is on the minus strand). VCF-style: chr1-36472621-C-G. GRCh37 (hg19) VCF-style: chr1-36938222-C-G.
Other names: c.739G>C, p.Gly247Arg (NM_156039.3, NM_172313.3); short protein forms G247R.
Identifiers: ClinVar variation 958247 (VCV000958247.9), dbSNP rs1216927796, ClinGen allele CA339423074.
Genomic context (GRCh38, chr1:36,472,621, plus strand): 5'-CACACTTCTGATTTATGTGCAGGCCTGGCTGCCATGGCTCCCAGCACAGCTGTAGGCAGC[C>G]TGCCTGGGGAGGGGCCGCTTCAGGGCTGGGGTCCATGGTCCGCAGCATGGGGGGCTCCAG-3'
Protein context (NP_000751.1, residues 237-257): PSPEAAPPQA[Gly247Arg]CLQLCWEPWQ